The following is an entry in ClinVar:

NM_020745.4(AARS2):c.2207C>T (p.Pro736Leu)

Gene: AARS2 (alanyl-tRNA synthetase 2, mitochondrial; minus strand). Cytogenetic location: 6p21.1.
Variant type: single nucleotide variant.
Coding change: c.2207C>T on transcript NM_020745.4 (MANE Select); coding-DNA position 2207, C replaced by T.
Protein change: p.Pro736Leu; replaces proline 736 with leucine.
Molecular consequence: missense variant.
Genome position (GRCh38, 1-based): chr6:44,303,114, G>A on the plus strand (C>T on the coding strand, the complement: AARS2 is on the minus strand). VCF-style: chr6-44303114-G-A. GRCh37 (hg19) VCF-style: chr6-44270851-G-A.
Other names: p.P736L:CCA>CTA; short protein forms P736L.
Identifiers: ClinVar variation 213958 (VCV000213958.2), dbSNP rs863223861, ClinGen allele CA321782.
Genomic context (GRCh38, chr6:44,303,114, plus strand): 5'-GGAGTGACTCACGTCCCACAGCATAGCTCCACAGAGGTCTGCAGTGCGGCTTGGGAGGCT[G>A]GGTCCAATGCATGGGCCACGGGCACCCCCACTGATACCACCCGCACAGGGTCTGGGTAAA-3'
Protein context (NP_065796.2, residues 726-746): VGVPVAHALD[Pro736Leu]ASQAALQTSV

ClinVar aggregate classification (germline): Uncertain significance. Review status: criteria provided, multiple submitters, no conflicts (2 of 4 stars). 2 submissions from 2 submitters: Uncertain significance (2). Last evaluated 2025-09-28.

Conditions:
Inborn genetic diseases. Identifiers: MedGen C0950123, MeSH D030342.

Allele frequency attached by ClinVar (database versions not stated): gnomAD 0.00001; TOPMed 0.00001; gnomAD exomes 0.00002.
gnomAD v4.1: 28 of 1,614,018 alleles (0.0017%); highest among the groups gnomAD compares: African/African-American, 0.0053%; no homozygotes.

Submissions (2):

Ambry Genetics
Classification: Uncertain significance for Inborn genetic diseases. Last evaluated: 2025-09-28. Review status: criteria provided, single submitter. Criteria: Ambry Variant Classification Scheme 2023. Collection method: clinical testing. Allele origin: germline.

GeneDx
Classification: Uncertain significance. Last evaluated: 2012-10-18. Review status: criteria provided, single submitter. Criteria: GeneDx Variant Classification (06012015). Collection method: clinical testing. Allele origin: germline. Affected: yes.
Comment: p.Pro736Leu (CCA>CTA):c.2207 C>T in exon 16 of the AARS2 gene (NM_020745.2). The P736L missense substitution has not been published as a mutation, nor has it been reported as a benign polymorphism to our knowledge. The amino acid change is semi-conservative in that both Proline and Leucine are uncharged, non-polar amino acids, but the loss of a Proline with its unique ring structure could affect the secondary structure of the AARS2 protein. This change occurs at a conserved position in the AARS2 protein. In-silico analyses are not consistent in their predictions of whether or not P736L is damaging to the AARS2 protein. Therefore, based on the currently available information it is unclear whether P736L is a disease-causing mutation or a rare benign variant. The variant is found in MITONUC-MITOP panel(s).